The following is an entry in ClinVar:

NM_032043.3(BRIP1):c.3240T>C (p.Asp1080=)

Gene: BRIP1 (BRCA1 interacting DNA helicase 1; minus strand). Cytogenetic location: 17q23.2.
Variant type: single nucleotide variant.
Coding change: c.3240T>C on transcript NM_032043.3 (MANE Select); coding-DNA position 3240, T replaced by C.
Protein change: p.Asp1080=; no amino-acid change (aspartic acid 1080 retained).
Molecular consequence: synonymous variant.
Genome position (GRCh38, 1-based): chr17:61,683,806, A>G on the plus strand (T>C on the coding strand, the complement: BRIP1 is on the minus strand). VCF-style: chr17-61683806-A-G. GRCh37 (hg19) VCF-style: chr17-59761167-A-G.
Other names: p.Asp1080=.
Identifiers: ClinVar variation 765586 (VCV000765586.16), dbSNP rs1603275354, ClinGen allele CA501335264.

ClinVar aggregate classification (germline): Benign/Likely benign. Review status: criteria provided, multiple submitters, no conflicts (2 of 4 stars). 4 submissions from 4 submitters: Benign (1); Likely benign (3). Last evaluated 2025-07-10.

Conditions:
Familial cancer of breast. Also called: Hereditary breast cancer; BREAST CANCER, FAMILIAL; hereditary breast carcinoma. Identifiers: Orphanet 227535, MedGen C0346153, MONDO:0016419, OMIM 114480. Disease mechanism: loss of function.
Hereditary cancer-predisposing syndrome. Also called: Tumor predisposition; Hereditary Cancer Syndrome; Neoplastic Syndromes, Hereditary; Hereditary neoplastic syndrome. Identifiers: Orphanet 140162, MedGen C0027672, MeSH D009386, MONDO:0015356.
Fanconi anemia complementation group J. Also called: BRIP1-Related Fanconi Anemia. Identifiers: Orphanet 84, MedGen C1836860, MONDO:0012187, OMIM 609054.

Allele frequency attached by ClinVar (database versions not stated): gnomAD exomes below 0.00001; TOPMed below 0.00001.
gnomAD v4.1: 1 of 1,614,210 alleles (0.000062%); highest among the groups gnomAD compares: Admixed American, 0.0017%; no homozygotes.

Submissions (4):

Mayo Clinic Laboratories, Mayo Clinic
Classification: Likely benign. Last evaluated: 2025-07-10. Review status: criteria provided, single submitter. Criteria: ACMG Guidelines, 2015. Collection method: clinical testing. Allele origin: germline. Observed: 1 variant allele.
Comment: BP4, BP7

Labcorp Genetics (formerly Invitae), Labcorp
Classification: Likely benign for Familial cancer of breast; Fanconi anemia complementation group J. Last evaluated: 2025-04-21. Review status: criteria provided, single submitter. Criteria: Invitae Variant Classification Sherloc (09022015). Collection method: clinical testing. Allele origin: germline.

Myriad Genetics, Inc.
Classification: Benign for Familial cancer of breast. Last evaluated: 2024-09-10. Review status: criteria provided, single submitter. Criteria: Myriad Autosomal Dominant, Autosomal Recessive and X-Linked Classification Criteria (2023). Collection method: clinical testing. Allele origin: unknown.
Comment: This variant is considered benign. This variant is a silent/synonymous amino acid change and it is not expected to impact splicing.

Ambry Genetics
Classification: Likely benign for Hereditary cancer-predisposing syndrome. Last evaluated: 2015-11-06. Review status: criteria provided, single submitter. Criteria: Ambry Variant Classification Scheme 2023. Collection method: clinical testing. Allele origin: germline.